The following is an entry in ClinVar:

ClinVar aggregate classification (germline): Uncertain significance. Review status: criteria provided, multiple submitters, no conflicts (2 of 4 stars). 2 submissions from 2 submitters: Uncertain significance (2). Last evaluated 2025-07-14.

Conditions:
Cardiovascular phenotype. Identifiers: MedGen CN230736.
Cardiac arrhythmia. Also called: Arrhythmia; Cardiac rhythm disease. Identifiers: MedGen C0003811, MONDO:0007263, HP:0011675.

gnomAD v4.1: 1 of 1,613,794 alleles (0.000062%); highest among the groups gnomAD compares: South Asian, 0.0011%; no homozygotes.

Submissions (2):

Color Diagnostics, LLC DBA Color Health
Classification: Uncertain significance for Cardiac arrhythmia. Last evaluated: 2025-07-14. Review status: criteria provided, single submitter. Criteria: ACMG Guidelines, 2015. Collection method: clinical testing. Allele origin: germline.
Comment: This missense variant replaces tyrosine with histidine at codon 382 of the KCNQ1 protein. Computational prediction suggests that this variant may have deleterious impact on protein structure and function. To our knowledge, functional studies have not been reported for this variant. This variant has not been reported in individuals affected with KCNQ1-related disorders in the literature. This variant has not been identified in the general population by the Genome Aggregation Database (gnomAD). The available evidence is insufficient to determine the role of this variant in disease conclusively. Therefore, this variant is classified as a Variant of Uncertain Significance.

Ambry Genetics
Classification: Uncertain significance for Cardiovascular phenotype. Last evaluated: 2025-02-07. Review status: criteria provided, single submitter. Criteria: Ambry Variant Classification Scheme 2023. Collection method: clinical testing. Allele origin: germline.
Comment: The p.Y382H variant (also known as c.1144T>C), located in coding exon 9 of the KCNQ1 gene, results from a T to C substitution at nucleotide position 1144. The tyrosine at codon 382 is replaced by histidine, an amino acid with similar properties. This amino acid position is well conserved in available vertebrate species. In addition, this alteration is predicted to be deleterious by in silico analysis. Based on the available evidence, the clinical significance of this variant remains unclear.

NM_000218.3(KCNQ1):c.1144T>C (p.Tyr382His)

Gene: KCNQ1 (potassium voltage-gated channel subfamily Q member 1; plus strand). Cytogenetic location: 11p15.5.
Variant type: single nucleotide variant.
Coding change: c.1144T>C on transcript NM_000218.3 (MANE Select); coding-DNA position 1144, T replaced by C.
Protein change: p.Tyr382His; replaces tyrosine 382 with histidine.
Molecular consequence: missense variant.
Genome position (GRCh38, 1-based): chr11:2,587,585, T>C. VCF-style: chr11-2587585-T-C. GRCh37 (hg19) VCF-style: chr11-2608815-T-C.
Other names: c.1048T>C, p.Tyr350His (NM_001406836.1); c.874T>C, p.Tyr292His (NM_001406837.1); c.604T>C, p.Tyr202His (NM_001406838.1); c.763T>C, p.Tyr255His (NM_181798.2); short protein forms Y202H, Y255H, Y292H, Y382H, Y350H.
Identifiers: ClinVar variation 3862986 (VCV003862986.2).